The following is an entry in ClinVar:

ClinVar aggregate classification (germline): Uncertain significance. Review status: criteria provided, multiple submitters, no conflicts (2 of 4 stars). 3 submissions from 3 submitters: Uncertain significance (3). Last evaluated 2025-11-03.

Allele frequency attached by ClinVar (database versions not stated): gnomAD exomes below 0.00001; TOPMed below 0.00001.
gnomAD v4.1: 2 of 1,505,796 alleles (0.00013%); highest among the groups gnomAD compares: East Asian, 0.0023%; no homozygotes.

Submissions (3):

Labcorp Genetics (formerly Invitae), Labcorp
Classification: Uncertain significance. Last evaluated: 2025-11-03. Review status: criteria provided, single submitter. Criteria: Invitae Variant Classification Sherloc (09022015). Collection method: clinical testing. Allele origin: germline.
Comment: This sequence change replaces phenylalanine, which is neutral and non-polar, with leucine, which is neutral and non-polar, at codon 633 of the RASGRP1 protein (p.Phe633Leu). This variant is not present in population databases (gnomAD no frequency). This variant has not been reported in the literature in individuals affected with RASGRP1-related conditions. ClinVar contains an entry for this variant (Variation ID: 3013334). Invitae Evidence Modeling of protein sequence and biophysical properties (such as structural, functional, and spatial information, amino acid conservation, physicochemical variation, residue mobility, and thermodynamic stability) indicates that this missense variant is not expected to disrupt RASGRP1 protein function with a negative predictive value of 80%. In summary, the available evidence is currently insufficient to determine the role of this variant in disease. Therefore, it has been classified as a Variant of Uncertain Significance.

Ambry Genetics
Classification: Uncertain significance. Last evaluated: 2023-12-08. Review status: criteria provided, single submitter. Criteria: Ambry Variant Classification Scheme 2023. Collection method: clinical testing. Allele origin: germline.

Blueprint Genetics
Classification: Uncertain significance. Last evaluated: 2022-04-06. Review status: criteria provided, single submitter. Criteria: ACMG Guidelines, 2015. Collection method: clinical testing. Allele origin: germline.

NM_005739.4(RASGRP1):c.1897T>C (p.Phe633Leu)

Gene: RASGRP1 (RAS guanyl releasing protein 1; minus strand). Cytogenetic location: 15q14.
Variant type: single nucleotide variant.
Coding change: c.1897T>C on transcript NM_005739.4 (MANE Select); coding-DNA position 1897, T replaced by C.
Protein change: p.Phe633Leu; replaces phenylalanine 633 with leucine.
Molecular consequence: missense variant. On other transcripts: intron variant (1).
Genome position (GRCh38, 1-based): chr15:38,494,744, A>G on the plus strand (T>C on the coding strand, the complement: RASGRP1 is on the minus strand). VCF-style: chr15-38494744-A-G. GRCh37 (hg19) VCF-style: chr15-38786945-A-G.
Other names: c.1792T>C, p.Phe598Leu (NM_001128602.2); c.1768+4050T>C (NM_001306086.2); c.1897T>C (NM_005739.3); short protein forms F633L, F598L.
Identifiers: ClinVar variation 3013334 (VCV003013334.5), dbSNP rs1007014655, ClinGen allele CA268729594.